The following is an entry in ClinVar:

ClinVar aggregate classification (germline): Uncertain significance. Review status: criteria provided, multiple submitters, no conflicts (2 of 4 stars). 2 submissions from 2 submitters: Uncertain significance (2). Last evaluated 2024-06-19.

Conditions:
Hereditary nonpolyposis colorectal neoplasms. Identifiers: MedGen C0009405, MeSH D003123.
Hereditary cancer-predisposing syndrome. Also called: Neoplastic Syndromes, Hereditary; Hereditary Cancer Syndrome; Tumor predisposition; Hereditary neoplastic syndrome. Identifiers: Orphanet 140162, MedGen C0027672, MeSH D009386, MONDO:0015356.

Submissions (2):

Labcorp Genetics (formerly Invitae), Labcorp
Classification: Uncertain significance for Hereditary nonpolyposis colorectal neoplasms. Last evaluated: 2024-06-19. Review status: criteria provided, single submitter. Criteria: Invitae Variant Classification Sherloc (09022015). Collection method: clinical testing. Allele origin: germline.
Comment: This sequence change replaces phenylalanine, which is neutral and non-polar, with valine, which is neutral and non-polar, at codon 689 of the MSH6 protein (p.Phe689Val). This variant is not present in population databases (gnomAD no frequency). This variant has not been reported in the literature in individuals affected with MSH6-related conditions. ClinVar contains an entry for this variant (Variation ID: 572364). Advanced modeling of protein sequence and biophysical properties (such as structural, functional, and spatial information, amino acid conservation, physicochemical variation, residue mobility, and thermodynamic stability) performed at Invitae indicates that this missense variant is not expected to disrupt MSH6 protein function with a negative predictive value of 95%. In summary, the available evidence is currently insufficient to determine the role of this variant in disease. Therefore, it has been classified as a Variant of Uncertain Significance.

Ambry Genetics
Classification: Uncertain significance for Hereditary cancer-predisposing syndrome. Last evaluated: 2021-04-22. Review status: criteria provided, single submitter. Criteria: Ambry Variant Classification Scheme 2023. Collection method: clinical testing. Allele origin: germline.
Comment: The p.F689V variant (also known as c.2065T>G), located in coding exon 4 of the MSH6 gene, results from a T to G substitution at nucleotide position 2065. The phenylalanine at codon 689 is replaced by valine, an amino acid with highly similar properties. This amino acid position is well conserved in available vertebrate species. In addition, this alteration is predicted to be deleterious by in silico analysis. Since supporting evidence is limited at this time, the clinical significance of this alteration remains unclear.

NM_000179.3(MSH6):c.2065T>G (p.Phe689Val)

Gene: MSH6 (mutS homolog 6; plus strand). Cytogenetic location: 2p16.3.
Variant type: single nucleotide variant.
Coding change: c.2065T>G on transcript NM_000179.3 (MANE Select); coding-DNA position 2065, T replaced by G.
Protein change: p.Phe689Val; replaces phenylalanine 689 with valine.
Molecular consequence: missense variant.
Genome position (GRCh38, 1-based): chr2:47,800,048, T>G. VCF-style: chr2-47800048-T-G. GRCh37 (hg19) VCF-style: chr2-48027187-T-G.
Other names: c.1675T>G, p.Phe559Val (NM_001281492.2); c.1159T>G, p.Phe387Val (NM_001281493.2, NM_001281494.2); short protein forms F689V, F387V, F559V.
Identifiers: ClinVar variation 572364 (VCV000572364.13), dbSNP rs1558664138, ClinGen allele CA346750786.
Genomic context (GRCh38, chr2:47,800,048, plus strand): 5'-ATTGGGTTGACACCAGGAGAGAAAAGTGAATTGGCCCTCTCTGCTCTAGGTGGTTGTGTC[T>G]TCTACCTCAAAAAATGCCTTATTGATCAGGAGCTTTTATCAATGGCTAATTTTGAAGAAT-3'
Protein context (NP_000170.1, residues 679-699): LALSALGGCV[Phe689Val]YLKKCLIDQE